The following is an entry in ClinVar:

NM_001005242.3(PKP2):c.1075A>T (p.Met359Leu)

Gene: PKP2 (plakophilin 2; minus strand). Cytogenetic location: 12p11.21.
Variant type: single nucleotide variant.
Coding change: c.1075A>T on transcript NM_001005242.3 (MANE Select); coding-DNA position 1075, A replaced by T.
Protein change: p.Met359Leu; replaces methionine 359 with leucine.
Molecular consequence: missense variant.
Genome position (GRCh38, 1-based): chr12:32,869,022, T>A on the plus strand (A>T on the coding strand, the complement: PKP2 is on the minus strand). VCF-style: chr12-32869022-T-A. GRCh37 (hg19) VCF-style: chr12-33021956-T-A.
Other names: c.1075A>T, p.Met359Leu (NM_001407156.1, NM_001407157.1, NM_001407161.1 and 2 more transcripts); c.748A>T, p.Met250Leu (NM_001407158.1, NM_001407159.1, NM_001407160.1 and 1 more transcripts); short protein forms M250L, M359L.
Identifiers: ClinVar variation 4757521 (VCV004757521.1).

ClinVar aggregate classification (germline): Uncertain significance (1 of 4 stars; one submission).

Conditions:
Cardiomyopathy (CMYO). Also called: Cardiomyopathies. Identifiers: Orphanet 167848, MedGen C0878544, MONDO:0004994, HP:0001638. Inheritance: Various modes of inheritance.

Submission:

Color Diagnostics, LLC DBA Color Health
Classification: Uncertain significance for Cardiomyopathy. Last evaluated: 2025-07-08. Review status: criteria provided, single submitter. Criteria: ACMG Guidelines, 2015. Collection method: clinical testing. Allele origin: germline.
Comment: This missense variant replaces methionine with leucine at codon 359 of the PKP2 protein. Computational prediction suggests that this variant may not impact protein structure and function. To our knowledge, functional studies have not been reported for this variant. This variant has not been reported in individuals affected with PKP2-related disorders in the literature. This variant has not been identified in the general population by the Genome Aggregation Database (gnomAD). The available evidence is insufficient to determine the role of this variant in disease conclusively. Therefore, this variant is classified as a Variant of Uncertain Significance.